The following is an entry in ClinVar:

NC_000001.10:g.(?_218578501)_(218610848_?)del

Gene: TGFB2 (transforming growth factor beta 2; plus strand). Cytogenetic location: 1q41.
Variant type: Deletion.
Identifiers: ClinVar variation 1066178 (VCV001066178.46).

ClinVar aggregate classification (germline): Likely pathogenic (1 of 4 stars; one submission).

Conditions:
Loeys-Dietz syndrome 4 (LDS4). Also called: ANEURYSM, AORTIC AND CEREBRAL, WITH ARTERIAL TORTUOSITY AND SKELETAL MANIFESTATIONS; TGFB2-Related Loeys-Dietz Syndrome. Identifiers: MedGen C3553762, MONDO:0013897, OMIM 614816.

Submission:

Labcorp Genetics (formerly Invitae), Labcorp
Classification: Likely pathogenic for Loeys-Dietz syndrome 4. Last evaluated: 2021-08-12. Review status: criteria provided, single submitter. Criteria: Invitae Variant Classification Sherloc (09022015). Collection method: clinical testing. Allele origin: germline.
Comment: This variant is a gross deletion of the genomic region encompassing exon(s) 2-6 of the TGFB2 gene. While this deletion is not anticipated to lead to nonsense mediated decay, it is expected to disrupt the C-terminus of the protein. This variant has not been reported in the literature in individuals affected with TGFB2-related conditions. This variant disrupts the p.Arg299 amino acid residue in TGFB2. Other variant(s) that disrupt this residue have been determined to be pathogenic (PMID: 22772368, 23102774, 26854089). This suggests that this residue is clinically significant, and that variants that disrupt this residue are likely to be disease-causing. In summary, the currently available evidence indicates that the variant is pathogenic, but additional data are needed to prove that conclusively. Therefore, this variant has been classified as Likely Pathogenic.

Literature cited by the submitters: PubMed 22772368; PubMed 23102774; PubMed 26854089.